The following is an entry in ClinVar:

NM_004006.3(DMD):c.8169G>C (p.Arg2723Ser)

Gene: DMD (dystrophin; minus strand). Cytogenetic location: Xp21.1.
Variant type: single nucleotide variant.
Coding change: c.8169G>C on transcript NM_004006.3 (MANE Select); coding-DNA position 8169, G replaced by C.
Protein change: p.Arg2723Ser; replaces arginine 2723 with serine.
Molecular consequence: missense variant.
Genome position (GRCh38, 1-based): chrX:31,627,721, C>G on the plus strand (G>C on the coding strand, the complement: DMD is on the minus strand). VCF-style: chrX-31627721-C-G. GRCh37 (hg19) VCF-style: chrX-31645838-C-G.
Other names: c.8145G>C, p.Arg2715Ser (NM_000109.4); c.8157G>C, p.Arg2719Ser (NM_004009.3); c.7800G>C, p.Arg2600Ser (NM_004010.3); c.4146G>C, p.Arg1382Ser (NM_004011.4); c.4137G>C, p.Arg1379Ser (NM_004012.4); c.789G>C, p.Arg263Ser (NM_004013.3, NM_004020.4, NM_004021.3 and 2 more transcripts); short protein forms R2600S, R1379S, R2723S, R1382S, R2719S, R263S, R2715S.
Identifiers: ClinVar variation 668513 (VCV000668513.45), dbSNP rs1569139778, ClinGen allele CA412657155.
Genomic context (GRCh38, chrX:31,627,721, plus strand): 5'-TGCCTGACTTACTTGCCATTGTTTCATCAGCTCTTTTACTCCCTTGGAGTCTTCTAGGAG[C>G]CTTTCCTTACGGGTAGCATCCTGTAGGACATTGGCAGTTGTTTCAGCTTCTGTAAGCCAG-3'
Protein context (NP_003997.2, residues 2713-2733): NVLQDATRKE[Arg2723Ser]LLEDSKGVKE

ClinVar aggregate classification (germline): Conflicting classifications of pathogenicity. Review status: criteria provided, conflicting classifications (1 of 4 stars). 3 submissions from 3 submitters: Uncertain significance (2); Likely benign (1). Last evaluated 2025-02-12.

Conditions:
Duchenne muscular dystrophy (DMD). Also called: MUSCULAR DYSTROPHY, PSEUDOHYPERTROPHIC PROGRESSIVE, DUCHENNE TYPE; Duchenne Muscular Dystrophy (DMD). Identifiers: Orphanet 98896, MedGen C0013264, MONDO:0010679, OMIM 310200.

Submissions (3):

Labcorp Genetics (formerly Invitae), Labcorp
Classification: Uncertain significance for Duchenne muscular dystrophy. Last evaluated: 2025-02-12. Review status: criteria provided, single submitter. Criteria: Invitae Variant Classification Sherloc (09022015). Collection method: clinical testing. Allele origin: germline.
Comment: This sequence change replaces arginine, which is basic and polar, with serine, which is neutral and polar, at codon 2723 of the DMD protein (p.Arg2723Ser). This variant is not present in population databases (gnomAD no frequency). This variant has not been reported in the literature in individuals affected with DMD-related conditions. ClinVar contains an entry for this variant (Variation ID: 668513). Invitae Evidence Modeling of protein sequence and biophysical properties (such as structural, functional, and spatial information, amino acid conservation, physicochemical variation, residue mobility, and thermodynamic stability) indicates that this missense variant is not expected to disrupt DMD protein function with a negative predictive value of 95%. In summary, the available evidence is currently insufficient to determine the role of this variant in disease. Therefore, it has been classified as a Variant of Uncertain Significance.

CeGaT Center for Human Genetics Tuebingen
Classification: Uncertain significance. Last evaluated: 2019-03-01. Review status: criteria provided, single submitter. Criteria: CeGaT Center For Human Genetics Tuebingen Variant Classification Criteria Version 2. Collection method: clinical testing. Allele origin: germline. Affected: yes. Observed: 1 variant allele.

GeneDx
Classification: Likely benign. Last evaluated: 2018-05-21. Review status: criteria provided, single submitter. Criteria: GeneDx Variant Classification (06012015). Collection method: clinical testing. Allele origin: germline. Affected: yes.
Comment: This variant is considered likely benign or benign based on one or more of the following criteria: it is a conservative change, it occurs at a poorly conserved position in the protein, it is predicted to be benign by multiple in silico algorithms, and/or has population frequency not consistent with disease.